The following is an entry in ClinVar:

ClinVar aggregate classification (germline): Pathogenic (1 of 4 stars; one submission).

Conditions:
O'Donnell-Luria-Rodan syndrome (ODLURO). Also called: KMT2E-Related Neurodevelopmental Disorder. Identifiers: MedGen C5193138, MONDO:0032793, OMIM 618512.

Submission:

Institute of Human Genetics, University of Leipzig Medical Center
Classification: Pathogenic for O'Donnell-Luria-Rodan syndrome. Last evaluated: 2023-12-20. Review status: criteria provided, single submitter. Criteria: ACMG Guidelines, 2015. Collection method: clinical testing. Allele origin: de novo. Inheritance: Autosomal dominant inheritance. Affected: yes.
Comment: Criteria applied: PVS1,PS2_MOD,PM2_SUP

NM_182931.3(KMT2E):c.1710dup (p.Lys571fs)

Gene: KMT2E (lysine methyltransferase 2E (inactive); plus strand). Cytogenetic location: 7q22.3.
Variant type: Duplication.
Coding change: c.1710dup on transcript NM_182931.3 (MANE Select); coding-DNA position 1710, one base duplicated (G; older notation c.1710dupG).
Protein change: p.Lys571fs; shifts the reading frame from lysine 571.
Molecular consequence: frameshift variant.
Genome position (GRCh38, 1-based): chr7:105,091,302, G duplicated; the last of 2 consecutive G bases (chr7:105,091,301-105,091,302); duplicating either gives the same sequence. VCF-style (leftmost placement, unchanged base first): chr7-105091300-A-AG. GRCh37 (hg19) VCF-style: chr7-104731747-A-AG.
Other names: c.1710dup, p.Lys571fs (NM_001410908.1, NM_018682.4); short protein forms K571fs.
Identifiers: ClinVar variation 2691874 (VCV002691874.2), dbSNP rs2536465540, ClinGen allele CA2697557497.